The following is an entry in ClinVar:

NM_000532.5(PCCB):c.183+3_183+6del

Gene: PCCB (propionyl-CoA carboxylase subunit beta; plus strand). Cytogenetic location: 3q22.3.
Variant type: Microsatellite.
Coding change: c.183+3_183+6del on transcript NM_000532.5 (MANE Select); bases 3 to 6 of the intron after coding-DNA position 183, 4 bases deleted (GAGT; older notation c.183+3_183+6delGAGT).
Molecular consequence: splice donor variant.
Genome position (GRCh38, 1-based): chr3:136,250,561-136,250,564, GAGT deleted; deleting any 4 consecutive bases within chr3:136,250,557-136,250,564 gives the same sequence; the c. name uses the placement nearest the transcript's 3' end. VCF-style (leftmost placement, unchanged base first): chr3-136250556-CGAGT-C. GRCh37 (hg19) VCF-style: chr3-135969398-CGAGT-C.
Other names: c.183+3_183+6del (NM_001178014.2).
Identifiers: ClinVar variation 2010922 (VCV002010922.4), dbSNP rs2529732145, ClinGen allele CA2580615973.

ClinVar aggregate classification (germline): Uncertain significance (1 of 4 stars; one submission).

Conditions:
Propionic acidemia (PROP). Also called: GLYCINEMIA, KETOTIC; HYPERGLYCINEMIA WITH KETOACIDOSIS AND LEUKOPENIA; KETOTIC HYPERGLYCINEMIA. Identifiers: Orphanet 35, MedGen C0268579, MONDO:0011628, OMIM 606054, HP:0003571.

Submission:

Labcorp Genetics (formerly Invitae), Labcorp
Classification: Uncertain significance for Propionic acidemia. Last evaluated: 2022-06-26. Review status: criteria provided, single submitter. Criteria: Invitae Variant Classification Sherloc (09022015). Collection method: clinical testing. Allele origin: germline.
Comment: In summary, the available evidence is currently insufficient to determine the role of this variant in disease. Therefore, it has been classified as a Variant of Uncertain Significance. This variant has not been reported in the literature in individuals affected with PCCB-related conditions. Variants that disrupt the consensus splice site are a relatively common cause of aberrant splicing (PMID: 17576681, 9536098). Algorithms developed to predict the effect of sequence changes on RNA splicing suggest that this variant may disrupt the consensus splice site. This variant is not present in population databases (gnomAD no frequency). This sequence change falls in intron 1 of the PCCB gene. It does not directly change the encoded amino acid sequence of the PCCB protein. It affects a nucleotide within the consensus splice site.

Literature cited by the submitters: PubMed 17576681; PubMed 9536098.